The following is an entry in ClinVar:

ClinVar aggregate classification (germline): Likely benign. Review status: criteria provided, multiple submitters, no conflicts (2 of 4 stars). 4 submissions from 4 submitters: Likely benign (4). Last evaluated 2026-01-26.

Conditions:
Malignant hyperthermia, susceptibility to, 1 (MHS1). Also called: RYR1-Related Malignant Hyperthermia Susceptibility; Anesthesia related hyperthermia; Malignant hyperpyrexia; Fulminating hyperpyrexia; Pharmacogenic myopathy; Malignant hyperthermia suceptibility 1. Identifiers: Orphanet 423, MedGen C2930980, MONDO:0007783, OMIM 145600.
RYR1-related disorder. Also called: RYR1-related condition; RYR1-related disorders. Identifiers: MedGen CN239331.

Allele frequency attached by ClinVar (database versions not stated): gnomAD 0.00001; gnomAD exomes 0.00001; ExAC 0.00002; TOPMed 0.00004.
gnomAD v4.1: 21 of 1,612,854 alleles (0.0013%); highest among the groups gnomAD compares: Non-Finnish European, 0.0018%; no homozygotes.

Submissions (4):

Labcorp Genetics (formerly Invitae), Labcorp
Classification: Likely benign for RYR1-related disorder. Last evaluated: 2026-01-26. Review status: criteria provided, single submitter. Criteria: Invitae Variant Classification Sherloc (09022015). Collection method: clinical testing. Allele origin: germline.

CeGaT Center for Human Genetics Tuebingen
Classification: Likely benign. Last evaluated: 2023-07-01. Review status: criteria provided, single submitter. Criteria: CeGaT Center For Human Genetics Tuebingen Variant Classification Criteria Version 2. Collection method: clinical testing. Allele origin: germline. Affected: yes. Observed: 1 variant allele.
Comment: RYR1: BP4, BP7

Blueprint Genetics
Classification: Likely benign. Last evaluated: 2022-12-20. Review status: criteria provided, single submitter. Criteria: ACMG Guidelines, 2015. Collection method: clinical testing. Allele origin: germline.

Color Diagnostics, LLC DBA Color Health
Classification: Likely benign for Malignant hyperthermia, susceptibility to, 1. Last evaluated: 2022-11-06. Review status: criteria provided, single submitter. Criteria: ACMG Guidelines, 2015. Collection method: clinical testing. Allele origin: germline.

NM_000540.3(RYR1):c.8841C>T (p.Asp2947=)

Gene: RYR1 (ryanodine receptor 1; plus strand). Cytogenetic location: 19q13.2.
Variant type: single nucleotide variant.
Coding change: c.8841C>T on transcript NM_000540.3 (MANE Select); coding-DNA position 8841, C replaced by T.
Protein change: p.Asp2947=; no amino-acid change (aspartic acid 2947 retained).
Molecular consequence: synonymous variant.
Genome position (GRCh38, 1-based): chr19:38,507,736, C>T. VCF-style: chr19-38507736-C-T. GRCh37 (hg19) VCF-style: chr19-38998376-C-T.
Other names: c.8841C>T, p.Asp2947= (NM_001042723.2).
Identifiers: ClinVar variation 1103915 (VCV001103915.34), dbSNP rs200982346, ClinGen allele CA072840.